The following is an entry in ClinVar:

ClinVar aggregate classification (germline): Uncertain significance (1 of 4 stars; one submission).

Allele frequency attached by ClinVar (database versions not stated): gnomAD 0.00009; ExAC 0.00013; ESP Exome Variant Server 0.00008; TOPMed 0.00008.
gnomAD v4.1: 289 of 1,602,106 alleles (0.018%); highest among the groups gnomAD compares: Non-Finnish European, 0.022%; no homozygotes.

Submission:

Labcorp Genetics (formerly Invitae), Labcorp
Classification: Uncertain significance. Last evaluated: 2024-02-19. Review status: criteria provided, single submitter. Criteria: Invitae Variant Classification Sherloc (09022015). Collection method: clinical testing. Allele origin: germline.
Comment: This sequence change replaces valine, which is neutral and non-polar, with isoleucine, which is neutral and non-polar, at codon 99 of the SLC9A3 protein (p.Val99Ile). This variant is present in population databases (rs147688367, gnomAD 0.01%). This variant has not been reported in the literature in individuals affected with SLC9A3-related conditions. ClinVar contains an entry for this variant (Variation ID: 2416749). Advanced modeling of protein sequence and biophysical properties (such as structural, functional, and spatial information, amino acid conservation, physicochemical variation, residue mobility, and thermodynamic stability) performed at Invitae indicates that this missense variant is not expected to disrupt SLC9A3 protein function with a negative predictive value of 80%. In summary, the available evidence is currently insufficient to determine the role of this variant in disease. Therefore, it has been classified as a Variant of Uncertain Significance.

NM_004174.4(SLC9A3):c.295G>A (p.Val99Ile)

Gene: SLC9A3 (solute carrier family 9 member A3). Cytogenetic location: 5p15.33.
Variant type: single nucleotide variant.
Coding change: c.295G>A on transcript NM_004174.4 (MANE Select); coding-DNA position 295, G replaced by A.
Protein change: p.Val99Ile; replaces valine 99 with isoleucine.
Molecular consequence: missense variant.
Genome position (GRCh38, 1-based): chr5:491,988, C>T on the plus strand (G>A on the coding strand, the complement: SLC9A3 is on the minus strand). VCF-style: chr5-491988-C-T. GRCh37 (hg19) VCF-style: chr5-492103-C-T.
Other names: c.295G>A, p.Val99Ile (NM_001284351.3); short protein forms V99I.
Identifiers: ClinVar variation 2416749 (VCV002416749.4), dbSNP rs147688367, ClinGen allele CA3176375.